The following is an entry in ClinVar:

NM_014023.4(WDR37):c.1103+10G>A

Gene: WDR37 (WD repeat domain 37; plus strand). Cytogenetic location: 10p15.3.
Variant type: single nucleotide variant.
Coding change: c.1103+10G>A on transcript NM_014023.4 (MANE Select); 10 bases into the intron after coding-DNA position 1103, G replaced by A.
Molecular consequence: intron variant.
Genome position (GRCh38, 1-based): chr10:1,105,277, G>A. VCF-style: chr10-1105277-G-A. GRCh37 (hg19) VCF-style: chr10-1151217-G-A.
Other names: c.1103+10G>A (NM_014023.3).
Identifiers: ClinVar variation 1690599 (VCV001690599.4), dbSNP rs377333387, ClinGen allele CA5384224.
Genomic context (GRCh38, chr10:1,105,277, plus strand): 5'-TTTCAGGGACCCCTCCATCCACTCGGTGAATGTTTTCCAGGGACACACGGAGTGAGTTGC[G>A]GTAGTTTAGACATCTGTCCTTAGTCATGAAAAAGTTCTGTGGGTTGACATGAAAACTTAA-3'

ClinVar aggregate classification (germline): Uncertain significance. Review status: criteria provided, single submitter (1 of 4 stars). 2 submissions from 2 submitters: Uncertain significance (1). 1 of the submissions does not count toward it. Last evaluated 2021-03-26.

Conditions:
WDR37-related disorder. Also called: WDR37-related condition.

Allele frequency attached by ClinVar (database versions not stated): ESP Exome Variant Server 0.00008.
gnomAD v4.1: 228 of 1,612,514 alleles (0.014%); highest among the groups gnomAD compares: Admixed American, 0.082%; no homozygotes.

Submissions (2):

Laboratorio de Genetica e Diagnostico Molecular, Hospital Israelita Albert Einstein
Classification: Uncertain significance. Last evaluated: 2021-03-26. Review status: criteria provided, single submitter. Criteria: ACMG Guidelines, 2015. Collection method: clinical testing. Allele origin: germline. Affected: yes.

PreventionGenetics, part of Exact Sciences
Classification: Likely benign for WDR37-related condition. Last evaluated: 2023-09-24. Review status: no assertion criteria provided. Collection method: clinical testing. Allele origin: germline. Not counted in ClinVar's aggregate classification.
Comment: This variant is classified as likely benign based on ACMG/AMP sequence variant interpretation guidelines (Richards et al. 2015 PMID: 25741868, with internal and published modifications).